The following is an entry in ClinVar:

ClinVar aggregate classification (germline): Uncertain significance (1 of 4 stars; one submission).

Conditions:
Epilepsy, progressive myoclonic, 1B. Also called: PME. Identifiers: Orphanet 308, MedGen C2676254, MONDO:0012904, OMIM 612437.

Submission:

Labcorp Genetics (formerly Invitae), Labcorp
Classification: Uncertain significance for Epilepsy, progressive myoclonic, 1B. Last evaluated: 2020-07-16. Review status: criteria provided, single submitter. Criteria: Invitae Variant Classification Sherloc (09022015). Collection method: clinical testing. Allele origin: germline.
Comment: In summary, the available evidence is currently insufficient to determine the role of this variant in disease. Therefore, it has been classified as a Variant of Uncertain Significance. The current clinical and genetic evidence is not sufficient to establish whether loss-of-function variants in PRICKLE1 cause disease. This variant has not been reported in the literature in individuals with PRICKLE1-related conditions. This variant is not present in population databases (ExAC no frequency). This sequence change creates a premature translational stop signal (p.Glu96Valfs*19) in the PRICKLE1 gene. It is expected to result in an absent or disrupted protein product.

NM_153026.3(PRICKLE1):c.287_288del (p.Glu96fs)

Genes: PRICKLE1 (prickle planar cell polarity protein 1; minus strand), LOC130007700 (ATAC-STARR-seq lymphoblastoid active region 6212; plus strand). Cytogenetic location: 12q12.
Variant type: Microsatellite.
Coding change: c.287_288del on transcript NM_153026.3 (MANE Select); coding-DNA positions 287 to 288, 2 bases deleted (AG; older notation c.287_288delAG).
Protein change: p.Glu96fs; shifts the reading frame from glutamic acid 96.
Molecular consequence: frameshift variant.
Genome position (GRCh38, 1-based): chr12:42,469,546-42,469,547, CT deleted on the plus strand (AG on the coding strand, the reverse complement: PRICKLE1 is on the minus strand); deleting any 2 consecutive bases within chr12:42,469,546-42,469,549 gives the same sequence; the c. name uses the placement nearest the transcript's 3' end. VCF-style (leftmost placement, unchanged base first): chr12-42469545-ACT-A. GRCh37 (hg19) VCF-style: chr12-42863347-ACT-A.
Other names: c.287_288del, p.Glu96fs (NM_001144881.2, NM_001144882.2, NM_001144883.2); short protein forms E96fs.
Identifiers: ClinVar variation 1023488 (VCV001023488.7), dbSNP rs1938233902, ClinGen allele CA2031939891.